The following is an entry in ClinVar:

NM_020461.4(TUBGCP6):c.1948del (p.Val650fs)

Gene: TUBGCP6 (tubulin gamma complex component 6; minus strand). Cytogenetic location: 22q13.33.
Variant type: Deletion.
Coding change: c.1948del on transcript NM_020461.4 (MANE Select); coding-DNA position 1948, one base deleted (G; older notation c.1948delG).
Protein change: p.Val650fs; shifts the reading frame from valine 650.
Molecular consequence: frameshift variant.
Genome position (GRCh38, 1-based): chr22:50,225,829, C deleted on the plus strand (G on the coding strand, the reverse complement: TUBGCP6 is on the minus strand); the first of 3 consecutive C bases (chr22:50,225,829-50,225,831); deleting any one gives the same sequence. VCF-style (leftmost placement, unchanged base first): chr22-50225828-AC-A. GRCh37 (hg19) VCF-style: chr22-50664257-AC-A.
Other names: short protein forms V650fs.
Identifiers: ClinVar variation 2009359 (VCV002009359.4), dbSNP rs2064598729, ClinGen allele CA2410733363.

ClinVar aggregate classification (germline): Pathogenic (1 of 4 stars; one submission).

Submission:

Labcorp Genetics (formerly Invitae), Labcorp
Classification: Pathogenic. Last evaluated: 2022-06-22. Review status: criteria provided, single submitter. Criteria: Invitae Variant Classification Sherloc (09022015). Collection method: clinical testing. Allele origin: germline.
Comment: This variant has not been reported in the literature in individuals affected with TUBGCP6-related conditions. This variant is not present in population databases (gnomAD no frequency). This sequence change creates a premature translational stop signal (p.Val650Trpfs*23) in the TUBGCP6 gene. It is expected to result in an absent or disrupted protein product. Loss-of-function variants in TUBGCP6 are known to be pathogenic (PMID: 25344692). For these reasons, this variant has been classified as Pathogenic.

Literature cited by the submitters: PubMed 25344692.